The following is an entry in ClinVar:

ClinVar aggregate classification (germline): Uncertain significance (1 of 4 stars; one submission).

Submission:

CeGaT Center for Human Genetics Tuebingen
Classification: Uncertain significance. Last evaluated: 2025-10-01. Review status: criteria provided, single submitter. Criteria: CeGaT Center For Human Genetics Tuebingen Variant Classification Criteria Version 2. Collection method: clinical testing. Allele origin: germline. Affected: yes. Observed: 1 variant allele.
Comment: NHS: PM2, BP4

NM_001291867.2(NHS):c.2760A>T (p.Gln920His)

Gene: NHS (NHS actin remodeling regulator; plus strand). Cytogenetic location: Xp22.13.
Variant type: single nucleotide variant.
Coding change: c.2760A>T on transcript NM_001291867.2 (MANE Select); coding-DNA position 2760, A replaced by T.
Protein change: p.Gln920His; replaces glutamine 920 with histidine.
Molecular consequence: missense variant.
Genome position (GRCh38, 1-based): chrX:17,726,866, A>T. VCF-style: chrX-17726866-A-T. GRCh37 (hg19) VCF-style: chrX-17744986-A-T.
Other names: c.2229A>T, p.Gln743His (NM_001136024.4); c.2166A>T, p.Gln722His (NM_001291868.2); c.2421A>T, p.Gln807His (NM_001440780.1); c.2697A>T, p.Gln899His (NM_198270.4); short protein forms Q722H, Q743H, Q807H, Q899H, Q920H.
Identifiers: ClinVar variation 4534366 (VCV004534366.6).